The following is an entry in ClinVar:

NM_001395656.1(ROBO2):c.3242C>A (p.Pro1081His)

Gene: ROBO2 (roundabout guidance receptor 2; plus strand). Cytogenetic location: 3p12.3.
Variant type: single nucleotide variant.
Coding change: c.3242C>A on transcript NM_001395656.1 (MANE Select); coding-DNA position 3242, C replaced by A.
Protein change: p.Pro1081His; replaces proline 1081 with histidine.
Molecular consequence: missense variant.
Genome position (GRCh38, 1-based): chr3:77,607,891, C>A. VCF-style: chr3-77607891-C-A. GRCh37 (hg19) VCF-style: chr3-77657042-C-A.
Other names: c.3278C>A, p.Pro1093His (NM_001128929.3); c.3242C>A, p.Pro1081His (NM_001290039.2, NM_001290040.2); c.1451C>A, p.Pro484His (NM_001290065.2); c.3290C>A, p.Pro1097His (NM_001378190.1, NM_001378200.1, NM_001378201.1 and 1 more transcripts); c.3416C>A, p.Pro1139His (NM_001378191.1, NM_001378195.1, NM_001378196.1); c.3311C>A, p.Pro1104His (NM_001378192.1, NM_001378198.1, NM_001378199.1); c.3230C>A, p.Pro1077His (NM_001378193.1, NM_002942.5); c.3428C>A, p.Pro1143His (NM_001378194.1); and 5 more; short protein forms P1081H, P1119H, P1139H, P1077H, P1078H, P1097H, P1093H, P1104H.
Identifiers: ClinVar variation 903405 (VCV000903405.5), dbSNP rs199764877, ClinGen allele CA2497585.
Genomic context (GRCh38, chr3:77,607,891, plus strand): 5'-ACTCTTCTAAACCACAGAAAAACAATGGATCCACTTGGGCCAATGTCCCTCTACCTCCCC[C>A]CCCAGTCCAGCCCCTTCCTGGCACGGAGCTGGAACACTATGCAGTGGAACAACAAGAAAA-3'
Protein context (NP_001382585.1, residues 1071-1091): STWANVPLPP[Pro1081His]PVQPLPGTEL

ClinVar aggregate classification (germline): Likely benign (1 of 4 stars; one submission).

Conditions:
Vesicoureteral reflux 2 (VUR2). Identifiers: Orphanet 289365, MedGen C1970483, MONDO:0012573, OMIM 610878.

gnomAD v4.1: 42 of 1,613,854 alleles (0.0026%); highest among the groups gnomAD compares: Middle Eastern, 0.016%; no homozygotes.

Submission:

Illumina Laboratory Services, Illumina
Classification: Likely benign for Vesicoureteral reflux 2. Last evaluated: 2018-01-13. Review status: criteria provided, single submitter. Criteria: ICSL Variant Classification Criteria 13 December 2019. Collection method: clinical testing. Allele origin: germline.
Comment: This variant was observed in the ICSL laboratory as part of a predisposition screen in an ostensibly healthy population. It had not been previously curated by ICSL or reported in the Human Gene Mutation Database (HGMD: prior to June 1st, 2018), and was therefore a candidate for classification through an automated scoring system. Utilizing variant allele frequency, disease prevalence and penetrance estimates, and inheritance mode, an automated score was calculated to assess if this variant is too frequent to cause the disease. Based on the score and internal cut-off values, a variant classified as likely benign is not then subjected to further curation. The score for this variant resulted in a classification of likely benign for this disease.